The following is an entry in ClinVar:

NM_001128929.3(ROBO2):c.-3G>T

Gene: ROBO2 (roundabout guidance receptor 2; plus strand). Cytogenetic location: 3p12.3.
Variant type: single nucleotide variant.
Coding change: c.-3G>T on transcript NM_001128929.3; 3 bases upstream of the start codon, G replaced by T.
Molecular consequence: 5 prime UTR variant.
Genome position (GRCh38, 1-based): chr3:75,937,491, G>T. VCF-style: chr3-75937491-G-T. GRCh37 (hg19) VCF-style: chr3-75986642-G-T.
Other names: c.-3G>T (NM_001378190.1, NM_001378191.1, NM_001378195.1 and 4 more transcripts).
Identifiers: ClinVar variation 3035762 (VCV003035762.2), dbSNP rs769883087, ClinGen allele CA77722753.

ClinVar aggregate classification (germline): Likely benign (0 of 4 stars; one submission).

Conditions:
ROBO2-related disorder. Also called: ROBO2-related condition.

Allele frequency attached by ClinVar (database versions not stated): ExAC 0.00122; gnomAD exomes 0.00239; 1000 Genomes Project 30x 0.00031; TOPMed 0.00108; gnomAD 0.00140.
gnomAD v4.1: 3,542 of 1,551,644 alleles (0.23%); highest among the groups gnomAD compares: Non-Finnish European, 0.28%; 7 homozygotes.

Submission:

PreventionGenetics, part of Exact Sciences
Classification: Likely benign for ROBO2-related condition. Last evaluated: 2019-11-27. Review status: no assertion criteria provided. Collection method: clinical testing. Allele origin: germline.
Comment: This variant is classified as likely benign based on ACMG/AMP sequence variant interpretation guidelines (Richards et al. 2015 PMID: 25741868, with internal and published modifications).